The following is an entry in ClinVar:

NM_017636.4(TRPM4):c.169G>C (p.Val57Leu)

Gene: TRPM4 (transient receptor potential cation channel subfamily M member 4; plus strand). Cytogenetic location: 19q13.33.
Variant type: single nucleotide variant.
Coding change: c.169G>C on transcript NM_017636.4 (MANE Select); coding-DNA position 169, G replaced by C.
Protein change: p.Val57Leu; replaces valine 57 with leucine.
Molecular consequence: missense variant. On other transcripts: 5 prime UTR variant (1), intron variant (2).
Genome position (GRCh38, 1-based): chr19:49,166,117, G>C. VCF-style: chr19-49166117-G-C. GRCh37 (hg19) VCF-style: chr19-49669374-G-C.
Other names: c.169G>C, p.Val57Leu (NM_001195227.2, NM_001321281.2); c.-1204G>C (NM_001321282.2); c.-74-2143G>C (NM_001321283.2); c.-237-2436G>C (NM_001321285.2); short protein forms V57L.
Identifiers: ClinVar variation 812046 (VCV000812046.8), dbSNP rs750590052, ClinGen allele CA406789494.

ClinVar aggregate classification (germline): Uncertain significance (1 of 4 stars; one submission).

Conditions:
Progressive familial heart block type IB (PFHB1B). Identifiers: Orphanet 871, MedGen C1970298, MONDO:0011474, OMIM 604559.

Allele frequency attached by ClinVar (database versions not stated): TOPMed 0.00001.
gnomAD v4.1: 3 of 1,604,146 alleles (0.00019%); highest among the groups gnomAD compares: Non-Finnish European, 0.00026%; no homozygotes.

Submission:

ARUP Laboratories, Molecular Genetics and Genomics, ARUP Laboratories
Classification: Uncertain significance for Progressive familial heart block type IB. Last evaluated: 2019-06-11. Review status: criteria provided, single submitter. Criteria: ARUP Molecular Germline Variant Investigation Process. Collection method: clinical testing. Allele origin: germline.
Comment: The TRPM4 c.169G>C; p.Val57Leu variant (rs750590052), to our knowledge, is not reported in the medical literature or gene specific databases. This variant is also absent from general population databases (Exome Variant Server, Genome Aggregation Database), indicating it is not a common polymorphism. The valine at codon 57 is weakly conserved, and computational analyses (SIFT, PolyPhen-2) predict that this variant is tolerated. Due to limited information, the clinical significance of the p.Val57Leu variant is uncertain at this time.